The following is an entry in ClinVar:

ClinVar aggregate classification (germline): Uncertain significance. Review status: criteria provided, multiple submitters, no conflicts (2 of 4 stars). 2 submissions from 2 submitters: Uncertain significance (2). Last evaluated 2024-03-13.

Conditions:
Cardiovascular phenotype. Identifiers: MedGen CN230736.

Allele frequency attached by ClinVar (database versions not stated): gnomAD 0.00001; gnomAD exomes 0.00002; TOPMed 0.00002; ExAC 0.00003.
gnomAD v4.1: 39 of 1,613,384 alleles (0.0024%); highest among the groups gnomAD compares: African/African-American, 0.004%; no homozygotes.

Submissions (2):

Ambry Genetics
Classification: Uncertain significance for Cardiovascular phenotype. Last evaluated: 2024-03-13. Review status: criteria provided, single submitter. Criteria: Ambry Variant Classification Scheme 2023. Collection method: clinical testing. Allele origin: germline.
Comment: The p.E2327K variant (also known as c.6979G>A), located in coding exon 19 of the TNXB gene, results from a G to A substitution at nucleotide position 6979. The glutamic acid at codon 2327 is replaced by lysine, an amino acid with similar properties. This amino acid position is conserved. In addition, this alteration is predicted to be tolerated by in silico analysis. Based on the available evidence, the clinical significance of this alteration remains unclear.

CeGaT Center for Human Genetics Tuebingen
Classification: Uncertain significance. Last evaluated: 2024-02-01. Review status: criteria provided, single submitter. Criteria: CeGaT Center For Human Genetics Tuebingen Variant Classification Criteria Version 2. Collection method: clinical testing. Allele origin: germline. Affected: yes. Observed: 1 variant allele.
Comment: TNXB: PM2, BP1, BP4

NM_001365276.2(TNXB):c.6979G>A (p.Glu2327Lys)

Gene: TNXB (tenascin XB; minus strand). Cytogenetic location: 6p21.33.
Variant type: single nucleotide variant.
Coding change: c.6979G>A on transcript NM_001365276.2 (MANE Select); coding-DNA position 6979, G replaced by A.
Protein change: p.Glu2327Lys; replaces glutamic acid 2327 with lysine.
Molecular consequence: missense variant.
Genome position (GRCh38, 1-based): chr6:32,062,346, C>T on the plus strand (G>A on the coding strand, the complement: TNXB is on the minus strand). VCF-style: chr6-32062346-C-T. GRCh37 (hg19) VCF-style: chr6-32030123-C-T.
Other names: c.6979G>A (NM_019105.6); c.6979G>A, p.Glu2327Lys (NM_019105.8); short protein forms E2327K.
Identifiers: ClinVar variation 3026430 (VCV003026430.23), dbSNP rs764604500, ClinGen allele CA3734277.